The following is an entry in ClinVar:

NM_001145346.2(RBMXL3):c.2222A>G (p.Tyr741Cys)

Genes: LRCH2 (leucine rich repeats and calponin homology domain containing 2; minus strand), RBMXL3 (RBMX like 3; plus strand). Cytogenetic location: Xq23.
Variant type: single nucleotide variant.
Coding change: c.2222A>G on transcript NM_001145346.2 (MANE Select); coding-DNA position 2222, A replaced by G.
Protein change: p.Tyr741Cys; replaces tyrosine 741 with cysteine.
Molecular consequence: missense variant. On other transcripts: intron variant (2).
Genome position (GRCh38, 1-based): chrX:115,191,663, A>G. VCF-style: chrX-115191663-A-G. GRCh37 (hg19) VCF-style: chrX-114426226-A-G.
Other names: c.350-3293T>C (NM_001243963.2, NM_020871.4); short protein forms Y741C.
Identifiers: ClinVar variation 1317622 (VCV001317622.2), dbSNP rs782644462, ClinGen allele CA10496418.

ClinVar aggregate classification (germline): Likely benign (1 of 4 stars; one submission).

Allele frequency attached by ClinVar (database versions not stated): gnomAD 0.00001 and 0.00003; gnomAD exomes 0.00001 and 0.00004; ExAC 0.00013.
gnomAD v4.1: 12 of 1,153,142 alleles (0.001%); highest among the groups gnomAD compares: South Asian, 0.015%; no homozygotes.

Submission:

GeneDx
Classification: Likely benign. Last evaluated: 2019-07-31. Review status: criteria provided, single submitter. Criteria: GeneDx Variant Classification Process June 2021. Collection method: clinical testing. Allele origin: germline. Affected: yes.
Comment: In silico analysis, which includes protein predictors and evolutionary conservation, supports that this variant does not alter protein structure/function